The following is an entry in ClinVar:

NM_000548.5(TSC2):c.3884-47G>T

Gene: TSC2 (TSC complex subunit 2; plus strand). Cytogenetic location: 16p13.3.
Variant type: single nucleotide variant.
Coding change: c.3884-47G>T on transcript NM_000548.5 (MANE Select); 47 bases into the intron before coding-DNA position 3884, G replaced by T.
Molecular consequence: intron variant.
Genome position (GRCh38, 1-based): chr16:2,083,648, G>T. VCF-style: chr16-2083648-G-T. GRCh37 (hg19) VCF-style: chr16-2133649-G-T.
Other names: c.3815-47G>T (NM_001114382.3); c.3755-47G>T (NM_021055.3, NM_001370405.1); c.3686-47G>T (NM_001363528.2); c.3752-47G>T (NM_001370404.1); c.3683-47G>T (NM_001077183.3); c.3575-47G>T (NM_001318827.2); c.3152-47G>T (NM_001318831.2); c.3539-47G>T (NM_001318829.2); and 1 more.
Identifiers: ClinVar variation 133432 (VCV000133432.1), dbSNP rs375126574, ClinGen allele CA019645.

ClinVar aggregate classification (germline): not provided (0 of 4 stars; one submission).

Allele frequency attached by ClinVar (database versions not stated): 1000 Genomes Project 30x 0.00016; ExAC 0.00019; 1000 Genomes Project 0.00020; ESP Exome Variant Server 0.00024; TOPMed 0.00012; gnomAD 0.00014.
gnomAD v4.1: 288 of 1,555,990 alleles (0.019%); highest among the groups gnomAD compares: Non-Finnish European, 0.023%; no homozygotes.

Submission:

ITMI
No classification provided. Condition: AllHighlyPenetrant. Last evaluated: 2013-09-19. Review status: no classification provided. Collection method: reference population. Allele origin: germline.
Comment: Please see associated publication for description of ethnicities

Literature cited by the submitters: PubMed 24728327.